The following is an entry in ClinVar:

NM_000548.5(TSC2):c.2112G>T (p.Lys704Asn)

Gene: TSC2 (TSC complex subunit 2; plus strand). Cytogenetic location: 16p13.3.
Variant type: single nucleotide variant.
Coding change: c.2112G>T on transcript NM_000548.5 (MANE Select); coding-DNA position 2112, G replaced by T.
Protein change: p.Lys704Asn; replaces lysine 704 with asparagine.
Molecular consequence: missense variant.
Genome position (GRCh38, 1-based): chr16:2,072,255, G>T. VCF-style: chr16-2072255-G-T. GRCh37 (hg19) VCF-style: chr16-2122256-G-T.
Other names: c.2112G>T, p.Lys704Asn (NM_001077183.3, NM_001363528.2, NM_001114382.3 and 3 more transcripts); c.1512G>T, p.Lys504Asn (NM_001318831.2); c.2145G>T, p.Lys715Asn (NM_001318832.2); c.2001G>T, p.Lys667Asn (NM_001318827.2); c.1965G>T, p.Lys655Asn (NM_001318829.2); short protein forms K704N, K715N, K504N, K655N, K667N.
Identifiers: ClinVar variation 467925 (VCV000467925.10), dbSNP rs1555506423, ClinGen allele CA394274778.

ClinVar aggregate classification (germline): Uncertain significance (1 of 4 stars; one submission).

Conditions:
Tuberous sclerosis 2 (TSC2). Identifiers: Orphanet 805, MedGen C1860707, MONDO:0013199, OMIM 613254.

Submission:

Labcorp Genetics (formerly Invitae), Labcorp
Classification: Uncertain significance for Tuberous sclerosis 2. Last evaluated: 2019-05-14. Review status: criteria provided, single submitter. Criteria: Invitae Variant Classification Sherloc (09022015). Collection method: clinical testing. Allele origin: germline.
Comment: In summary, the available evidence is currently insufficient to determine the role of this variant in disease. Therefore, it has been classified as a Variant of Uncertain Significance. Algorithms developed to predict the effect of missense changes on protein structure and function do not agree on the potential impact of this missense change (SIFT: "Deleterious"; PolyPhen-2: "Possibly Damaging"; Align-GVGD: "Class C0"). This variant has not been reported in the literature in individuals with TSC2-related disease. This variant is not present in population databases (ExAC no frequency). This sequence change replaces lysine with asparagine at codon 704 of the TSC2 protein (p.Lys704Asn). The lysine residue is highly conserved and there is a moderate physicochemical difference between lysine and asparagine.